The following is an entry in ClinVar:

ClinVar aggregate classification (germline): Likely benign. Review status: criteria provided, multiple submitters, no conflicts (2 of 4 stars). 4 submissions from 4 submitters: Likely benign (3). 1 of the submissions does not count toward it. Last evaluated 2025-12-28.

Conditions:
Hereditary cancer-predisposing syndrome. Also called: Hereditary Cancer Syndrome; Neoplastic Syndromes, Hereditary; Tumor predisposition; Hereditary neoplastic syndrome. Identifiers: Orphanet 140162, MedGen C0027672, MeSH D009386, MONDO:0015356.
Ataxia-telangiectasia syndrome (AT). Also called: Cerebello-oculocutaneous telangiectasia; Immunodeficiency with ataxia telangiectasia; Ataxia-telangiectasia, complementation group E; Ataxia-telangiectasia, complementation group D; AT, COMPLEMENTATION GROUP C; ATAXIA-TELANGIECTASIA, COMPLEMENTATION GROUP A. Identifiers: Orphanet 100, MedGen C0004135, MONDO:0008840, OMIM 208900.
Malignant tumor of breast. Also called: Malignant breast neoplasm; Cancer breast. Identifiers: MedGen C0006142, MONDO:0007254. Disease mechanism: loss of function.

Allele frequency attached by ClinVar (database versions not stated): gnomAD 0.00001; gnomAD exomes 0.00002; ESP Exome Variant Server 0.00008; ExAC 0.00002; TOPMed below 0.00001.
gnomAD v4.1: 19 of 1,517,244 alleles (0.0013%); highest among the groups gnomAD compares: Non-Finnish European, 0.0017%; no homozygotes.

Submissions (4):

Labcorp Genetics (formerly Invitae), Labcorp
Classification: Likely benign for Ataxia-telangiectasia syndrome. Last evaluated: 2025-12-28. Review status: criteria provided, single submitter. Criteria: Invitae Variant Classification Sherloc (09022015). Collection method: clinical testing. Allele origin: germline.

Color Diagnostics, LLC DBA Color Health
Classification: Likely benign for Hereditary cancer-predisposing syndrome. Last evaluated: 2017-09-16. Review status: criteria provided, single submitter. Criteria: ACMG Guidelines, 2015. Collection method: clinical testing. Allele origin: germline.

GeneDx
Classification: Likely benign. Last evaluated: 2017-07-03. Review status: criteria provided, single submitter. Criteria: GeneDx Variant Classification (06012015). Collection method: clinical testing. Allele origin: germline. Affected: yes.
Comment: This variant is considered likely benign or benign based on one or more of the following criteria: it is a conservative change, it occurs at a poorly conserved position in the protein, it is predicted to be benign by multiple in silico algorithms, and/or has population frequency not consistent with disease.

Department of Pathology and Laboratory Medicine, Sinai Health System
Classification: Likely benign for Malignant tumor of breast. Review status: no assertion criteria provided. Collection method: clinical testing. Allele origin: unknown. Affected: yes. Study: The Canadian Open Genetics Repository (COGR). Not counted in ClinVar's aggregate classification.
Comment: The ATM c.6006+13G>C variant was not identified in the literature nor was it identified in the LOVD 3.0 database. The variant was identified in dbSNP (rs368207631) as â€šÃ„Ãºwith likely benign alleleâ€šÃ„Ã¹ and ClinVar (classified as likely benign by GeneDx and Color). The variant was identified in control databases in 6 of 276,634 chromosomes at a frequency of 0.00002 (Genome Aggregation Database Feb 27, 2017). The variant was observed in the following populations: European in 6 of 126,350 chromosomes (freq: 0.00005), but not in the African, Other, Latino, Ashkenazi Jewish, East Asian, Finnish, and South Asian populations. The variant occurs at a non-highly conserved nucleotide outside of the splicing consensus sequence and in silico or computational prediction software programs (SpliceSiteFinder, MaxEntScan, NNSPLICE, GeneSplicer) do not predict a difference in splicing. In summary, based on the above information the clinical significance of this variant cannot be determined with certainty at this time although we would lean towards a more benign role for this variant. This variant is classified as likely benign.

NM_000051.4(ATM):c.6006+13G>C

Genes: ATM (ATM serine/threonine kinase; plus strand), C11orf65 (chromosome 11 open reading frame 65; minus strand). Cytogenetic location: 11q22.3.
Variant type: single nucleotide variant.
Coding change: c.6006+13G>C on transcript NM_000051.4 (MANE Select); 13 bases into the intron after coding-DNA position 6006, G replaced by C.
Molecular consequence: intron variant.
Genome position (GRCh38, 1-based): chr11:108,312,511, G>C. VCF-style: chr11-108312511-G-C. GRCh37 (hg19) VCF-style: chr11-108183238-G-C.
Other names: c.6006+13G>C (NM_001351834.2); c.641-3440C>G (NM_001330368.2); c.*39-3440C>G (NM_001351110.2).
Identifiers: ClinVar variation 510627 (VCV000510627.12), dbSNP rs368207631, ClinGen allele CA6265816.